The following is an entry in ClinVar:

ClinVar aggregate classification (germline): Uncertain significance (1 of 4 stars; one submission).

gnomAD v4.1: 5 of 1,613,944 alleles (0.00031%); highest among the groups gnomAD compares: Non-Finnish European, 0.00034%; no homozygotes.

Submission:

Labcorp Genetics (formerly Invitae), Labcorp
Classification: Uncertain significance. Last evaluated: 2025-09-04. Review status: criteria provided, single submitter. Criteria: Invitae Variant Classification Sherloc (09022015). Collection method: clinical testing. Allele origin: germline.
Comment: This sequence change replaces leucine, which is neutral and non-polar, with proline, which is neutral and non-polar, at codon 24 of the CFH protein (p.Leu24Pro). This variant is not present in population databases (gnomAD no frequency). This variant has not been reported in the literature in individuals affected with CFH-related conditions. An algorithm developed to predict the effect of missense changes on protein structure and function outputs the following: PolyPhen-2: "Benign". The proline amino acid residue is found in multiple mammalian species, which suggests that this missense change does not adversely affect protein function. In summary, the available evidence is currently insufficient to determine the role of this variant in disease. Therefore, it has been classified as a Variant of Uncertain Significance.

NM_000186.4(CFH):c.71T>C (p.Leu24Pro)

Gene: CFH (complement factor H; plus strand). Cytogenetic location: 1q31.3.
Variant type: single nucleotide variant.
Coding change: c.71T>C on transcript NM_000186.4 (MANE Select); coding-DNA position 71, T replaced by C.
Protein change: p.Leu24Pro; replaces leucine 24 with proline.
Molecular consequence: missense variant.
Genome position (GRCh38, 1-based): chr1:196,672,990, T>C. VCF-style: chr1-196672990-T-C. GRCh37 (hg19) VCF-style: chr1-196642120-T-C.
Other names: c.71T>C, p.Leu24Pro (NM_001014975.3); short protein forms L24P.
Identifiers: ClinVar variation 4747958 (VCV004747958.1).